The following is an entry in ClinVar:

ClinVar aggregate classification (germline): Uncertain significance (1 of 4 stars; one submission).

Conditions:
Ichthyosis vulgaris. Also called: ICHTHYOSIS SIMPLEX; Dominant ichthyosis vulgaris. Identifiers: MedGen C0079584, MONDO:0024304, OMIM 146700.
Dermatitis, atopic, 2. Identifiers: MedGen C1853965, MONDO:0011596, OMIM 605803.

Submission:

Juno Genomics, Hangzhou Juno Genomics, Inc
Classification: Uncertain significance for Dermatitis, atopic, 2; Ichthyosis vulgaris. Review status: criteria provided, single submitter. Criteria: ACMG Guidelines, 2015. Collection method: clinical testing. Allele origin: germline.
Comment: Absent from controls (or at extremely low frequency if recessive) in Genome Aggregation Database.;Null variant in a gene where loss of function (LOF) is a known mechanism of disease.

NM_002016.2(FLG):c.2534del (p.Pro845fs)

Genes: CCDST (cervical cancer associated DHX9 suppressive transcript; plus strand), FLG (filaggrin; minus strand). Cytogenetic location: 1q21.3.
Variant type: Deletion.
Coding change: c.2534del on transcript NM_002016.2 (MANE Select); coding-DNA position 2534, one base deleted (C; older notation c.2534delC).
Protein change: p.Pro845fs; shifts the reading frame from proline 845.
Molecular consequence: frameshift variant.
Genome position (GRCh38, 1-based): chr1:152,312,352, G deleted on the plus strand (C on the coding strand, the reverse complement: FLG is on the minus strand); the first of 3 consecutive G bases (chr1:152,312,352-152,312,354); deleting any one gives the same sequence. VCF-style (leftmost placement, unchanged base first): chr1-152312351-CG-C. GRCh37 (hg19) VCF-style: chr1-152284827-CG-C.
Other names: short protein forms P845fs.
Identifiers: ClinVar variation 5018868 (VCV005018868.2).